The following is an entry in ClinVar:

ClinVar aggregate classification (germline): Likely benign. Review status: criteria provided, single submitter (1 of 4 stars). 2 submissions from 2 submitters: Likely benign (1). 1 of the submissions does not count toward it. Last evaluated 2022-10-01.

Conditions:
Genitopatellar syndrome (GTPTS). Also called: Genitopatellar syndrome (GPS); ABSENT PATELLAE, SCROTAL HYPOPLASIA, RENAL ANOMALIES, FACIAL DYSMORPHISM, AND MENTAL RETARDATION. Identifiers: Orphanet 85201, MedGen C1853566, MONDO:0011640, OMIM 606170.
KAT6B-related disorder. Also called: KAT6B-related disorders; KAT6B-related condition.

Allele frequency attached by ClinVar (database versions not stated): gnomAD exomes 0.00003; ExAC 0.00010; 1000 Genomes Project 30x 0.00016; 1000 Genomes Project 0.00020.
gnomAD v4.1: 45 of 1,614,040 alleles (0.0028%); highest among the groups gnomAD compares: East Asian, 0.045%; no homozygotes.

Submissions (2):

Labcorp Genetics (formerly Invitae), Labcorp
Classification: Likely benign for Genitopatellar syndrome. Last evaluated: 2022-10-01. Review status: criteria provided, single submitter. Criteria: Invitae Variant Classification Sherloc (09022015). Collection method: clinical testing. Allele origin: germline.

PreventionGenetics, part of Exact Sciences
Classification: Likely benign for KAT6B-related condition. Last evaluated: 2019-09-10. Review status: no assertion criteria provided. Collection method: clinical testing. Allele origin: germline. Not counted in ClinVar's aggregate classification.
Comment: This variant is classified as likely benign based on ACMG/AMP sequence variant interpretation guidelines (Richards et al. 2015 PMID: 25741868, with internal and published modifications).

NM_012330.4(KAT6B):c.1584G>A (p.Val528=)

Gene: KAT6B (lysine acetyltransferase 6B; plus strand). Cytogenetic location: 10q22.2.
Variant type: single nucleotide variant.
Coding change: c.1584G>A on transcript NM_012330.4 (MANE Select); coding-DNA position 1584, G replaced by A.
Protein change: p.Val528=; no amino-acid change (valine 528 retained).
Molecular consequence: synonymous variant. On other transcripts: intron variant (13).
Genome position (GRCh38, 1-based): chr10:74,975,921, G>A. VCF-style: chr10-74975921-G-A. GRCh37 (hg19) VCF-style: chr10-76735679-G-A.
Other names: c.1584G>A (NM_012330.3); c.1584G>A, p.Val528= (NM_001370136.1, NM_001370137.1); c.1117+467G>A (NM_001370139.1, NM_001370140.1, NM_001370141.1 and 3 more transcripts); c.1444+140G>A (NM_001370138.1, NM_001256468.2); c.846+6146G>A (NM_001370133.1); c.193-3303G>A (NM_001370134.1); c.929-1395G>A (NM_001370143.1, NM_001370144.1); c.193-13098G>A (NM_001370135.1).
Identifiers: ClinVar variation 2183014 (VCV002183014.6), dbSNP rs200122662, ClinGen allele CA5564439.